The following is an entry in ClinVar:

NM_002225.5(IVD):c.232C>T (p.Arg78Ter)

Gene: IVD (isovaleryl-CoA dehydrogenase; plus strand). Cytogenetic location: 15q15.1.
Variant type: single nucleotide variant.
Coding change: c.232C>T on transcript NM_002225.5 (MANE Select); coding-DNA position 232, C replaced by T.
Protein change: p.Arg78Ter; replaces arginine 78 with a stop codon.
Molecular consequence: nonsense. On other transcripts: non-coding transcript variant (1), intron variant (1).
Genome position (GRCh38, 1-based): chr15:40,407,723, C>T. VCF-style: chr15-40407723-C-T. GRCh37 (hg19) VCF-style: chr15-40699924-C-T.
Other names: c.184C>T, p.Arg62Ter (NM_001354597.3); c.232C>T, p.Arg78Ter (NM_001354598.3, NM_001354599.3, NM_001354600.3 and 1 more transcripts); c.145-216C>T (NM_001159508.3); short protein forms R78*, R62*.
Identifiers: ClinVar variation 370807 (VCV000370807.15), dbSNP rs765815516, ClinGen allele CA7480534.
Genomic context (GRCh38, chr15:40,407,723, plus strand): 5'-CAGGAGCACCTGGCCCCCAAGGCCCAGGAGATCGATCGCAGCAATGAGTTCAAGAACCTG[C>T]GAGTGAGTTGGGAGGTCCGGGCAGTCGGGGGCAGTCAGGGAGTGGGGCTGAGCTGCACTG-3'

ClinVar aggregate classification (germline): Pathogenic. Review status: criteria provided, multiple submitters, no conflicts (2 of 4 stars). 6 submissions from 6 submitters: Pathogenic (5). 1 of the submissions does not count toward it. Last evaluated 2025-06-27.

Conditions:
Isovaleryl-CoA dehydrogenase deficiency (IVA). Also called: Isovaleric acidemia; ISOVALERIC ACID CoA DEHYDROGENASE DEFICIENCY; Classic Isovaleric Acidemia; IVD DEFICIENCY. Identifiers: Orphanet 33, MedGen C0268575, MONDO:0009475, OMIM 243500.

Allele frequency attached by ClinVar (database versions not stated): TOPMed 0.00002; gnomAD 0.00001; gnomAD exomes 0.00001; ExAC 0.00002.
gnomAD v4.1: 29 of 1,613,712 alleles (0.0018%); highest among the groups gnomAD compares: Admixed American, 0.0033%; no homozygotes.

Submissions (6):

Natera, Inc.
Classification: Pathogenic for Isovaleryl-coa dehydrogenase deficiency. Last evaluated: 2025-06-27. Review status: criteria provided, single submitter. Criteria: Natera Variant Classification Schema (03/2026). Collection method: clinical testing. Allele origin: germline.
Comment: The c.241C>T variant in IVD is a nonsense variant predicted to introduce a stop codon at amino acid 81. This variant is expected to result in nonsense mediated decay, truncation, or a dysfunctional protein product. This variant is rare in the general population with a frequency below the threshold expected for the associated phenotype(s). This variant has been observed in one or more individuals affected with the associated recessive disease, as either homozygous or compound heterozygous with a second variant (PMID: 31707166). Given the available evidence, this variant is classified as Pathogenic.

3billion
Classification: Pathogenic for Isovaleryl-CoA dehydrogenase deficiency. Last evaluated: 2025-02-19. Review status: criteria provided, single submitter. Criteria: ACMG Guidelines, 2015. Collection method: clinical testing. Allele origin: germline. Affected: yes.
Comment: The variant is observed at an extremely low frequency in the gnomAD v4.1.0 dataset (total allele frequency: 0.002%). Predicted Consequence/Location: Stop-gained (nonsense): predicted to result in a loss or disruption of normal protein function through nonsense-mediated decay (NMD) or protein truncation. Multiple pathogenic variants are reported downstream of the variant. In silico tools predict the variant to alter splicing and produce an abnormal transcript [SpliceAI: 0.97 (spliceogenicity >=0.2, non-spliceogenicity <0.1)]. The variant has been reported at least twice as pathogenic with clinical assertions and evidence for the classification (ClinVar ID: VCV000370807 /PMID: 31707166). Therefore, this variant is classified as Pathogenic according to the recommendation of ACMG/AMP guideline.

Labcorp Genetics (formerly Invitae), Labcorp
Classification: Pathogenic for Isovaleryl-CoA dehydrogenase deficiency. Last evaluated: 2024-12-12. Review status: criteria provided, single submitter. Criteria: Invitae Variant Classification Sherloc (09022015). Collection method: clinical testing. Allele origin: germline.
Comment: This sequence change creates a premature translational stop signal (p.Arg81*) in the IVD gene. It is expected to result in an absent or disrupted protein product. Loss-of-function variants in IVD are known to be pathogenic (PMID: 16602101). This variant is present in population databases (rs765815516, gnomAD 0.003%). This variant has not been reported in the literature in individuals affected with IVD-related conditions. ClinVar contains an entry for this variant (Variation ID: 370807). Algorithms developed to predict the effect of sequence changes on RNA splicing suggest that this variant may disrupt the consensus splice site. For these reasons, this variant has been classified as Pathogenic.

Baylor Genetics
Classification: Pathogenic for Isovaleryl-CoA dehydrogenase deficiency. Last evaluated: 2024-03-09. Review status: criteria provided, single submitter. Criteria: ACMG Guidelines, 2015. Collection method: clinical testing. Allele origin: unknown.

GeneDx
Classification: Pathogenic. Last evaluated: 2016-11-23. Review status: criteria provided, single submitter. Criteria: GeneDx Variant Classification (06012015). Collection method: clinical testing. Allele origin: germline. Affected: yes.
Comment: The R81X nonsense variant in the IVD gene is predicted to cause loss of normal protein function either through protein truncation or nonsense-mediated mRNA decay. Although this variant has not been reported previously to our knowledge, it is interpreted to be a pathogenic variant.

Counsyl
Classification: Likely pathogenic for Isovaleryl-CoA dehydrogenase deficiency. Last evaluated: 2016-04-20. Review status: no assertion criteria provided. Collection method: clinical testing. Allele origin: unknown. Not counted in ClinVar's aggregate classification.

Literature cited by the submitters: PubMed 31707166 (cited by Natera, Inc. and 3billion); PubMed 16602101 (cited by Labcorp Genetics (formerly Invitae), Labcorp).